The following is an entry in ClinVar:

ClinVar aggregate classification (germline): Benign. Review status: criteria provided, multiple submitters, no conflicts (2 of 4 stars). 2 submissions from 2 submitters: Benign (2). Last evaluated 2023-10-09.

Allele frequency attached by ClinVar (database versions not stated): gnomAD exomes 0.00254; ExAC 0.00392; 1000 Genomes Project 0.00180; gnomAD 0.00217 and 0.00222; 1000 Genomes Project 30x 0.00156; TOPMed 0.00182.
gnomAD v4.1: 3,599 of 1,535,634 alleles (0.23%); highest among the groups gnomAD compares: Middle Eastern, 0.57%; 15 homozygotes.

Submissions (2):

ARUP Laboratories, Molecular Genetics and Genomics, ARUP Laboratories
Classification: Benign. Last evaluated: 2023-10-09. Review status: criteria provided, single submitter. Criteria: ARUP Molecular Germline Variant Investigation Process 2024. Collection method: clinical testing. Allele origin: germline.

GeneDx
Classification: Benign. Last evaluated: 2014-07-31. Review status: criteria provided, single submitter. Criteria: GeneDx Variant Classification (06012015). Collection method: clinical testing. Allele origin: germline. Affected: yes.
Comment: This variant is considered likely benign or benign based on one or more of the following criteria: it is a conservative change, it occurs at a poorly conserved position in the protein, it is predicted to be benign by multiple in silico algorithms, and/or has population frequency not consistent with disease.

NM_001164730.2(REEP1):c.53+17G>T

Gene: REEP1 (receptor accessory protein 1; minus strand). Cytogenetic location: 2p11.2.
Variant type: single nucleotide variant.
Coding change: c.53+17G>T on transcript NM_001164730.2; 17 bases into the intron after coding-DNA position 53, G replaced by T.
Molecular consequence: intron variant.
Genome position (GRCh38, 1-based): chr2:86,338,007, C>A on the plus strand (G>T on the coding strand, the complement: REEP1 is on the minus strand). VCF-style: chr2-86338007-C-A. GRCh37 (hg19) VCF-style: chr2-86565130-C-A.
Identifiers: ClinVar variation 215082 (VCV000215082.4), dbSNP rs185618007, ClinGen allele CA321511.